The following is an entry in ClinVar:

NM_001319074.4(RAX2):c.218T>C (p.Val73Ala)

Gene: RAX2 (retina and anterior neural fold homeobox 2; minus strand). Cytogenetic location: 19p13.3.
Variant type: single nucleotide variant.
Coding change: c.218T>C on transcript NM_001319074.4 (MANE Select); coding-DNA position 218, T replaced by C.
Protein change: p.Val73Ala; replaces valine 73 with alanine.
Molecular consequence: missense variant.
Genome position (GRCh38, 1-based): chr19:3,770,958, A>G on the plus strand (T>C on the coding strand, the complement: RAX2 is on the minus strand). VCF-style: chr19-3770958-A-G. GRCh37 (hg19) VCF-style: chr19-3770956-A-G.
Other names: c.218T>C (NM_032753.3); c.218T>C, p.Val73Ala (NM_032753.4); short protein forms V73A.
Identifiers: ClinVar variation 1444173 (VCV001444173.9), dbSNP rs772356880, ClinGen allele CA9085066.

ClinVar aggregate classification (germline): Uncertain significance. Review status: criteria provided, multiple submitters, no conflicts (2 of 4 stars). 4 submissions from 4 submitters: Uncertain significance (4). Last evaluated 2025-05-06.

Conditions:
RAX2-related disorder. Also called: RAX2-related disorders; RAX2-related condition.

Allele frequency attached by ClinVar (database versions not stated): gnomAD exomes 0.00001 and 0.00002; TOPMed 0.00004.

Submissions (4):

Labcorp Genetics (formerly Invitae), Labcorp
Classification: Uncertain significance. Last evaluated: 2025-05-06. Review status: criteria provided, single submitter. Criteria: Invitae Variant Classification Sherloc (09022015). Collection method: clinical testing. Allele origin: germline.
Comment: This sequence change replaces valine, which is neutral and non-polar, with alanine, which is neutral and non-polar, at codon 73 of the RAX2 protein (p.Val73Ala). This variant is present in population databases (rs772356880, gnomAD 0.008%). This variant has not been reported in the literature in individuals affected with RAX2-related conditions. ClinVar contains an entry for this variant (Variation ID: 1444173). An algorithm developed to predict the effect of missense changes on protein structure and function (PolyPhen-2) suggests that this variant is likely to be disruptive. In summary, the available evidence is currently insufficient to determine the role of this variant in disease. Therefore, it has been classified as a Variant of Uncertain Significance.

Ambry Genetics
Classification: Uncertain significance. Last evaluated: 2024-12-25. Review status: criteria provided, single submitter. Criteria: Ambry Variant Classification Scheme 2023. Collection method: clinical testing. Allele origin: germline.

PreventionGenetics, part of Exact Sciences
Classification: Uncertain significance for RAX2-related condition. Last evaluated: 2024-12-19. Review status: criteria provided, single submitter. Criteria: ACMG Guidelines, 2015. Collection method: clinical testing. Allele origin: germline.
Comment: The RAX2 c.218T>C variant is predicted to result in the amino acid substitution p.Val73Ala. To our knowledge, this variant has not been reported in the literature. This variant is reported in 0.011% of alleles in individuals of Latino descent in gnomAD. At this time, the clinical significance of this variant is uncertain due to the absence of conclusive functional and genetic evidence.

Blueprint Genetics
Classification: Uncertain significance. Last evaluated: 2021-09-20. Review status: criteria provided, single submitter. Criteria: ACMG Guidelines, 2015. Collection method: clinical testing. Allele origin: germline.